The following is an entry in ClinVar:

ClinVar aggregate classification (germline): Uncertain significance. Review status: criteria provided, multiple submitters, no conflicts (2 of 4 stars). 3 submissions from 3 submitters: Uncertain significance (3). Last evaluated 2025-08-30.

Conditions:
Cardiovascular phenotype. Identifiers: MedGen CN230736.
Hereditary cancer-predisposing syndrome. Also called: Neoplastic Syndromes, Hereditary; Tumor predisposition; Hereditary Cancer Syndrome; Hereditary neoplastic syndrome. Identifiers: Orphanet 140162, MedGen C0027672, MeSH D009386, MONDO:0015356.
LZTR1-related schwannomatosis. Also called: Schwannomatosis 2; Schwannomatosis-2, susceptibility to. Identifiers: Orphanet 93921, MedGen C3810283, MONDO:0014299, OMIM 615670.

gnomAD v4.1: 1 of 1,612,112 alleles (0.000062%); highest among the groups gnomAD compares: Non-Finnish European, 0.000085%; no homozygotes.

Submissions (3):

Ambry Genetics
Classification: Uncertain significance for Cardiovascular phenotype; Hereditary cancer-predisposing syndrome. Last evaluated: 2025-08-30. Review status: criteria provided, single submitter. Criteria: Ambry Variant Classification Scheme 2023. Collection method: clinical testing. Allele origin: germline.
Comment: The p.V550M variant (also known as c.1648G>A), located in coding exon 15 of the LZTR1 gene, results from a G to A substitution at nucleotide position 1648. The valine at codon 550 is replaced by methionine, an amino acid with highly similar properties. This amino acid position is conserved. In addition, the in silico prediction for this alteration is inconclusive. Based on the available evidence, the clinical significance of this variant remains unclear.

Labcorp Genetics (formerly Invitae), Labcorp
Classification: Uncertain significance. Last evaluated: 2025-01-23. Review status: criteria provided, single submitter. Criteria: Invitae Variant Classification Sherloc (09022015). Collection method: clinical testing. Allele origin: germline.
Comment: This sequence change replaces valine, which is neutral and non-polar, with methionine, which is neutral and non-polar, at codon 550 of the LZTR1 protein (p.Val550Met). The frequency data for this variant in the population databases is considered unreliable, as metrics indicate poor data quality at this position in the gnomAD database. This variant has not been reported in the literature in individuals affected with LZTR1-related conditions. ClinVar contains an entry for this variant (Variation ID: 2676410). Invitae Evidence Modeling of protein sequence and biophysical properties (such as structural, functional, and spatial information, amino acid conservation, physicochemical variation, residue mobility, and thermodynamic stability) indicates that this missense variant is not expected to disrupt LZTR1 protein function with a negative predictive value of 80%. In summary, the available evidence is currently insufficient to determine the role of this variant in disease. Therefore, it has been classified as a Variant of Uncertain Significance.

Baylor Genetics
Classification: Uncertain significance for LZTR1-related schwannomatosis. Last evaluated: 2023-05-30. Review status: criteria provided, single submitter. Criteria: ACMG Guidelines, 2015. Collection method: clinical testing. Allele origin: unknown.

NM_006767.4(LZTR1):c.1648G>A (p.Val550Met)

Gene: LZTR1 (leucine zipper like post translational regulator 1; plus strand). Cytogenetic location: 22q11.21.
Variant type: single nucleotide variant.
Coding change: c.1648G>A on transcript NM_006767.4 (MANE Select); coding-DNA position 1648, G replaced by A.
Protein change: p.Val550Met; replaces valine 550 with methionine.
Molecular consequence: missense variant.
Genome position (GRCh38, 1-based): chr22:20,994,590, G>A. VCF-style: chr22-20994590-G-A. GRCh37 (hg19) VCF-style: chr22-21348879-G-A.
Other names: c.1648G>A (NM_006767.3); short protein forms V550M.
Identifiers: ClinVar variation 2676410 (VCV002676410.5), dbSNP rs1354044140, ClinGen allele CA410776634.